The following is an entry in ClinVar:

ClinVar aggregate classification (germline): Uncertain significance. Review status: criteria provided, multiple submitters, no conflicts (2 of 4 stars). 2 submissions from 2 submitters: Uncertain significance (2). Last evaluated 2025-06-11.

Conditions:
Hereditary cancer-predisposing syndrome. Also called: Neoplastic Syndromes, Hereditary; Tumor predisposition; Hereditary Cancer Syndrome; Hereditary neoplastic syndrome. Identifiers: Orphanet 140162, MedGen C0027672, MeSH D009386, MONDO:0015356.
Familial cancer of breast. Also called: Hereditary breast cancer; hereditary breast carcinoma; BREAST CANCER, FAMILIAL. Identifiers: Orphanet 227535, MedGen C0346153, MONDO:0016419, OMIM 114480. Disease mechanism: loss of function.

Allele frequency attached by ClinVar (database versions not stated): gnomAD exomes below 0.00001.

Submissions (2):

Labcorp Genetics (formerly Invitae), Labcorp
Classification: Uncertain significance for Familial cancer of breast. Last evaluated: 2025-06-11. Review status: criteria provided, single submitter. Criteria: Invitae Variant Classification Sherloc (09022015). Collection method: clinical testing. Allele origin: germline.
Comment: This sequence change replaces cysteine, which is neutral and slightly polar, with tyrosine, which is neutral and polar, at codon 882 of the PALB2 protein (p.Cys882Tyr). This variant is not present in population databases (gnomAD no frequency). This variant has not been reported in the literature in individuals affected with PALB2-related conditions. ClinVar contains an entry for this variant (Variation ID: 1001911). Invitae Evidence Modeling of protein sequence and biophysical properties (such as structural, functional, and spatial information, amino acid conservation, physicochemical variation, residue mobility, and thermodynamic stability) indicates that this missense variant is not expected to disrupt PALB2 protein function with a negative predictive value of 80%. In summary, the available evidence is currently insufficient to determine the role of this variant in disease. Therefore, it has been classified as a Variant of Uncertain Significance.

Ambry Genetics
Classification: Uncertain significance for Hereditary cancer-predisposing syndrome. Last evaluated: 2022-09-21. Review status: criteria provided, single submitter. Criteria: Ambry Variant Classification Scheme 2023. Collection method: clinical testing. Allele origin: germline.
Comment: The p.C882Y variant (also known as c.2645G>A), located in coding exon 7 of the PALB2 gene, results from a G to A substitution at nucleotide position 2645. The cysteine at codon 882 is replaced by tyrosine, an amino acid with highly dissimilar properties. In one study, this alteration was identified in 0/923 familial breast cancer cases and 1/1084 controls (Rahman N et al. Nat Genet, 2007 Feb;39:165-7). In addition, this alteration has been reported in 2/13087 breast cancer cases and 0/5488 control individuals in the UK (Decker B et al. J Med Genet, 2017 11;54:732-741). This amino acid position is poorly conserved in available vertebrate species. In addition, this alteration is predicted to be tolerated by in silico analysis. Since supporting evidence is limited at this time, the clinical significance of this alteration remains unclear.

Literature cited by the submitters: PubMed 17200668 (cited by Ambry Genetics); PubMed 28779002 (cited by Ambry Genetics).

NM_024675.4(PALB2):c.2645G>A (p.Cys882Tyr)

Gene: PALB2 (partner and localizer of BRCA2; minus strand). Cytogenetic location: 16p12.2.
Variant type: single nucleotide variant.
Coding change: c.2645G>A on transcript NM_024675.4 (MANE Select); coding-DNA position 2645, G replaced by A.
Protein change: p.Cys882Tyr; replaces cysteine 882 with tyrosine.
Molecular consequence: missense variant.
Genome position (GRCh38, 1-based): chr16:23,626,339, C>T on the plus strand (G>A on the coding strand, the complement: PALB2 is on the minus strand). VCF-style: chr16-23626339-C-T. GRCh37 (hg19) VCF-style: chr16-23637660-C-T.
Other names: short protein forms C882Y.
Identifiers: ClinVar variation 1001911 (VCV001001911.12), dbSNP rs45486906, ClinGen allele CA279489094.
Genomic context (GRCh38, chr16:23,626,339, plus strand): 5'-TCCAGAGCTTTCCAAAGAGAAACTACATCTTCGCAAGCAGTTATGATACATGGCTCTTTA[C>T]AACCGGCTCTTTCCCAAAACATGGCACTCACATCTACGGAACAGGAACCTGAAGGATTCT-3'
Protein context (NP_078951.2, residues 872-892): VSAMFWERAG[Cys882Tyr]KEPCIITACE